The following is an entry in ClinVar:

NM_020778.5(ALPK3):c.3032C>T (p.Ser1011Leu)

Gene: ALPK3 (alpha kinase 3; plus strand). Cytogenetic location: 15q25.3.
Variant type: single nucleotide variant.
Coding change: c.3032C>T on transcript NM_020778.5 (MANE Select); coding-DNA position 3032, C replaced by T.
Protein change: p.Ser1011Leu; replaces serine 1011 with leucine.
Molecular consequence: missense variant.
Genome position (GRCh38, 1-based): chr15:84,857,770, C>T. VCF-style: chr15-84857770-C-T. GRCh37 (hg19) VCF-style: chr15-85401001-C-T.
Other names: short protein forms S1011L.
Identifiers: ClinVar variation 1406385 (VCV001406385.10), dbSNP rs374420068, ClinGen allele CA7709541.

ClinVar aggregate classification (germline): Uncertain significance. Review status: criteria provided, multiple submitters, no conflicts (2 of 4 stars). 3 submissions from 3 submitters: Uncertain significance (3). Last evaluated 2026-07-22.

Conditions:
ALPK3-related disorder. Also called: ALPK3-related condition.
Cardiovascular phenotype. Identifiers: MedGen CN230736.

Allele frequency attached by ClinVar (database versions not stated): gnomAD 0.00004; TOPMed 0.00004; gnomAD exomes 0.00006; ExAC 0.00008; ESP Exome Variant Server 0.00008.
gnomAD v4.1: 94 of 1,612,898 alleles (0.0058%); highest among the groups gnomAD compares: Non-Finnish European, 0.0073%; no homozygotes.

Submissions (3):

PreventionGenetics, part of Exact Sciences
Classification: Uncertain significance for ALPK3-related condition. Last evaluated: 2026-07-22. Review status: criteria provided, single submitter. Criteria: ACMG Guidelines, 2015. Collection method: clinical testing. Allele origin: germline.
Comment: The ALPK3 c.3638C>T variant is predicted to result in the amino acid substitution p.Ser1213Leu. To our knowledge, this variant has not been reported in the literature. This variant is reported in 0.010% of alleles in individuals of European (Non-Finnish) descent in gnomAD. At this time, the clinical significance of this variant is uncertain due to the absence of conclusive functional and genetic evidence.

Labcorp Genetics (formerly Invitae), Labcorp
Classification: Uncertain significance. Last evaluated: 2026-01-13. Review status: criteria provided, single submitter. Criteria: Invitae Variant Classification Sherloc (09022015). Collection method: clinical testing. Allele origin: germline.
Comment: This sequence change replaces serine, which is neutral and polar, with leucine, which is neutral and non-polar, at codon 1213 of the ALPK3 protein (p.Ser1213Leu). This variant is present in population databases (rs374420068, gnomAD 0.01%). This variant has not been reported in the literature in individuals affected with ALPK3-related conditions. ClinVar contains an entry for this variant (Variation ID: 1406385). Invitae Evidence Modeling of protein sequence and biophysical properties (such as structural, functional, and spatial information, amino acid conservation, physicochemical variation, residue mobility, and thermodynamic stability) indicates that this missense variant is expected to disrupt ALPK3 protein function with a positive predictive value of 80%. In summary, the available evidence is currently insufficient to determine the role of this variant in disease. Therefore, it has been classified as a Variant of Uncertain Significance.

Ambry Genetics
Classification: Uncertain significance for Cardiovascular phenotype. Last evaluated: 2025-08-20. Review status: criteria provided, single submitter. Criteria: Ambry Variant Classification Scheme 2023. Collection method: clinical testing. Allele origin: germline.
Comment: The p.S1213L variant (also known as c.3638C>T), located in coding exon 6 of the ALPK3 gene, results from a C to T substitution at nucleotide position 3638. The serine at codon 1213 is replaced by leucine, an amino acid with dissimilar properties. This amino acid position is well conserved in available vertebrate species. In addition, the in silico prediction for this alteration is inconclusive. Since supporting evidence is limited at this time, the clinical significance of this alteration remains unclear.